The following is an entry in ClinVar:

NM_130839.5(UBE3A):c.63G>A (p.Met21Ile)

Genes: SNHG14 (small nucleolar RNA host gene 14; plus strand), UBE3A (ubiquitin protein ligase E3A; minus strand). Cytogenetic location: 15q11.2.
Variant type: single nucleotide variant.
Coding change: c.63G>A on transcript NM_130839.5 (MANE Select); coding-DNA position 63, G replaced by A.
Protein change: p.Met21Ile; replaces methionine 21 with isoleucine.
Molecular consequence: missense variant. On other transcripts: non-coding transcript variant (1), 5 prime UTR variant (1).
Genome position (GRCh38, 1-based): chr15:25,375,763, C>T on the plus strand (G>A on the coding strand, the complement: UBE3A is on the minus strand). VCF-style: chr15-25375763-C-T. GRCh37 (hg19) VCF-style: chr15-25620910-C-T.
Other names: c.72G>A, p.Met24Ile (NM_000462.5); c.63G>A, p.Met21Ile (NM_001354505.1, NM_001354538.2, NM_001354545.2 and 1 more transcripts); c.3G>A, p.Met1Ile (NM_001354506.2, NM_001354507.2, NM_001354508.2 and 18 more transcripts); c.-115G>A (NM_001354546.2); short protein forms M21I, M24I, M1I.
Identifiers: ClinVar variation 3572887 (VCV003572887.2).

ClinVar aggregate classification (germline): Pathogenic (1 of 4 stars; one submission).

Conditions:
Angelman syndrome (AS). Also called: HAPPY PUPPET SYNDROME. Identifiers: Orphanet 72, MedGen C0162635, MONDO:0007113, OMIM 105830. Disease mechanism: loss of function. Inheritance: imprinting disorder, AS is caused by disruption of maternally imprinted UBE3A located within the 15q11.2-q13 Angelman syndrome/Prader-Willi syndrome (AS/PWS) region..

Submission:

Institute of Human Genetics, University of Leipzig Medical Center
Classification: Pathogenic for Angelman syndrome. Last evaluated: 2024-12-13. Review status: criteria provided, single submitter. Criteria: ACMG Guidelines, 2015. Collection method: clinical testing. Allele origin: unknown. Inheritance: Autosomal dominant inheritance. Affected: yes.
Comment: Criteria applied: PVS1,PS1,PM2